The following is an entry in ClinVar:

NM_000384.3(APOB):c.12334G>A (p.Ala4112Thr)

Gene: APOB (apolipoprotein B; minus strand). Cytogenetic location: 2p24.1.
Variant type: single nucleotide variant.
Coding change: c.12334G>A on transcript NM_000384.3 (MANE Select); coding-DNA position 12334, G replaced by A.
Protein change: p.Ala4112Thr; replaces alanine 4112 with threonine.
Molecular consequence: missense variant.
Genome position (GRCh38, 1-based): chr2:21,003,088, C>T on the plus strand (G>A on the coding strand, the complement: APOB is on the minus strand). VCF-style: chr2-21003088-C-T. GRCh37 (hg19) VCF-style: chr2-21225960-C-T.
Other names: short protein forms A4112T.
Identifiers: ClinVar variation 993246 (VCV000993246.6), dbSNP rs1663036153, ClinGen allele CA345971551.

ClinVar aggregate classification (germline): Uncertain significance. Review status: criteria provided, multiple submitters, no conflicts (2 of 4 stars). 3 submissions from 3 submitters: Uncertain significance (3). Last evaluated 2023-12-20.

Conditions:
Familial hypobetalipoproteinemia 1. Also called: APOB-Related Familial Hypobetalipoproteinemia; Hypobetalipoproteinemia, normotriglyceridemic; Acanthocytosis with hypobetalipoproteinemia. Identifiers: MedGen C4551990, MONDO:0014252, OMIM 615558.
Hypercholesterolemia, autosomal dominant, type B (FHCL2). Also called: APOLIPOPROTEIN B-100, FAMILIAL DEFECTIVE; APOLIPOPROTEIN B-100, FAMILIAL LIGAND-DEFECTIVE; HYPERCHOLESTEROLEMIA, FAMILIAL, DUE TO LIGAND-DEFECTIVE APOLIPOPROTEIN B; Hyperlipoproteinemia Type IIb; Familial hypercholesterolemia 2; Familial Hypercholesterolemia Type B. Identifiers: MedGen C1704417, MONDO:0007751, OMIM 144010.
Cardiovascular phenotype. Identifiers: MedGen CN230736.

gnomAD v4.1: 2 of 1,591,474 alleles (0.00013%); highest among the groups gnomAD compares: South Asian, 0.0011%; no homozygotes.

Submissions (3):

Labcorp Genetics (formerly Invitae), Labcorp
Classification: Uncertain significance for Familial hypobetalipoproteinemia 1; Hypercholesterolemia, autosomal dominant, type B. Last evaluated: 2023-12-20. Review status: criteria provided, single submitter. Criteria: Invitae Variant Classification Sherloc (09022015). Collection method: clinical testing. Allele origin: germline.
Comment: This sequence change replaces alanine, which is neutral and non-polar, with threonine, which is neutral and polar, at codon 4112 of the APOB protein (p.Ala4112Thr). This variant is not present in population databases (gnomAD no frequency). This variant has not been reported in the literature in individuals affected with APOB-related conditions. ClinVar contains an entry for this variant (Variation ID: 993246). Advanced modeling of protein sequence and biophysical properties (such as structural, functional, and spatial information, amino acid conservation, physicochemical variation, residue mobility, and thermodynamic stability) performed at Invitae indicates that this missense variant is not expected to disrupt APOB protein function with a negative predictive value of 95%. In summary, the available evidence is currently insufficient to determine the role of this variant in disease. Therefore, it has been classified as a Variant of Uncertain Significance.

Ambry Genetics
Classification: Uncertain significance for Cardiovascular phenotype. Last evaluated: 2022-01-10. Review status: criteria provided, single submitter. Criteria: Ambry Variant Classification Scheme 2023. Collection method: clinical testing. Allele origin: germline.
Comment: The p.A4112T variant (also known as c.12334G>A), located in coding exon 29 of the APOB gene, results from a G to A substitution at nucleotide position 12334. The alanine at codon 4112 is replaced by threonine, an amino acid with similar properties. This amino acid position is conserved. In addition, this alteration is predicted to be tolerated by in silico analysis. Since supporting evidence is limited at this time, the clinical significance of this alteration remains unclear.

Quest Diagnostics Nichols Institute San Juan Capistrano
Classification: Uncertain significance. Last evaluated: 2019-09-20. Review status: criteria provided, single submitter. Criteria: Quest Diagnostics criteria. Collection method: clinical testing. Allele origin: unknown.